The following is an entry in ClinVar:

ClinVar aggregate classification (germline): Benign. Review status: criteria provided, single submitter (1 of 4 stars). 2 submissions from 1 submitter: Benign (2). Last evaluated 2018-01-13.

Conditions:
Susceptibility to mononeuropathy of the median nerve, mild. Also called: CARPAL TUNNEL SYNDROME, SUSCEPTIBILITY TO. Identifiers: MedGen C3150596, MONDO:0013237, OMIM 613353.
Charcot-Marie-Tooth disease type 4C (CMT4C). Also called: CHARCOT-MARIE-TOOTH DISEASE, DEMYELINATING, AUTOSOMAL RECESSIVE, TYPE 4C; CMT 4C; Charcot-Marie-Tooth Neuropathy Type 4C (CMT4C); CHARCOT-MARIE-TOOTH DISEASE, DEMYELINATING, TYPE 4C; SH3TC2-Related Hereditary Motor and Sensory Neuropathy. Identifiers: Orphanet 99949, MedGen C1866636, MONDO:0011113, OMIM 601596.

Allele frequency attached by ClinVar (database versions not stated): gnomAD 0.76741 and 0.77134; TOPMed 0.77347; 1000 Genomes Project 30x 0.79638; 1000 Genomes Project 0.79732.
gnomAD v4.1: 117,337 of 152,142 alleles (77%); highest among the groups gnomAD compares: East Asian, 97%; 45,765 homozygotes.

Submissions (2):

Illumina Laboratory Services, Illumina
Classification: Benign for Susceptibility to mononeuropathy of the median nerve, mild. Last evaluated: 2018-01-13. Review status: criteria provided, single submitter. Criteria: ICSL Variant Classification Criteria 13 December 2019. Collection method: clinical testing. Allele origin: germline.
Comment: This variant was observed in the ICSL laboratory as part of a predisposition screen in an ostensibly healthy population. It had not been previously curated by ICSL or reported in the Human Gene Mutation Database (HGMD: prior to June 1st, 2018), and was therefore a candidate for classification through an automated scoring system. Utilizing variant allele frequency, disease prevalence and penetrance estimates, and inheritance mode, an automated score was calculated to assess if this variant is too frequent to cause the disease. Based on the score and internal cut-off values, a variant classified as benign is not then subjected to further curation. The score for this variant resulted in a classification of benign for this disease.

Illumina Laboratory Services, Illumina
Classification: Benign for Charcot-Marie-Tooth disease type 4C. Last evaluated: 2018-01-13. Review status: criteria provided, single submitter. Criteria: ICSL Variant Classification Criteria 13 December 2019. Collection method: clinical testing. Allele origin: germline.
Comment: the same text as in the submission from Illumina Laboratory Services, Illumina above.

NM_024577.4(SH3TC2):c.*18554G>T

Gene: SH3TC2 (SH3 domain and tetratricopeptide repeats 2; minus strand). Cytogenetic location: 5q32.
Variant type: single nucleotide variant.
Coding change: c.*18554G>T on transcript NM_024577.4 (MANE Select); 18554 bases downstream of the stop codon, G replaced by T.
Molecular consequence: 3 prime UTR variant.
Genome position (GRCh38, 1-based): chr5:148,986,157, C>A on the plus strand (G>T on the coding strand, the complement: SH3TC2 is on the minus strand). VCF-style: chr5-148986157-C-A. GRCh37 (hg19) VCF-style: chr5-148365720-C-A.
Identifiers: ClinVar variation 351609 (VCV000351609.5), dbSNP rs10040598, ClinGen allele CA10623290.
Genomic context (GRCh38, chr5:148,986,157, plus strand): 5'-TATAATCAATTTTCACTCACTAAGGCCCTGCTTAATAGCCTATTTTACTGCCCGTGTGAA[C>A]TTGGGTATGTTACATAACTGCCTTAAACCACAGCTTCTTCATCTCTGCAGGGTTTTTGTA-3'